The following is an entry in ClinVar:

NM_178013.4(PRIMA1):c.188C>T (p.Pro63Leu)

Gene: PRIMA1 (proline rich membrane anchor 1; minus strand). Cytogenetic location: 14q32.12.
Variant type: single nucleotide variant.
Coding change: c.188C>T on transcript NM_178013.4 (MANE Select); coding-DNA position 188, C replaced by T.
Protein change: p.Pro63Leu; replaces proline 63 with leucine.
Molecular consequence: missense variant.
Genome position (GRCh38, 1-based): chr14:93,779,217, G>A on the plus strand (C>T on the coding strand, the complement: PRIMA1 is on the minus strand). VCF-style: chr14-93779217-G-A. GRCh37 (hg19) VCF-style: chr14-94245563-G-A.
Other names: short protein forms P63L.
Identifiers: ClinVar variation 2073791 (VCV002073791.4), dbSNP rs2503455806, ClinGen allele CA391145762.

ClinVar aggregate classification (germline): Uncertain significance (1 of 4 stars; one submission).

Conditions:
Familial sleep-related hypermotor epilepsy. Also called: Autosomal Dominant Sleep-Related Hypermotor (Hyperkinetic) Epilepsy. Identifiers: Orphanet 98784, MedGen C3696898, MONDO:0000030.

Allele frequency attached by ClinVar (database versions not stated): gnomAD exomes below 0.00001.
gnomAD v4.1: 4 of 1,304,878 alleles (0.00031%); highest among the groups gnomAD compares: South Asian, 0.0015%; no homozygotes.

Submission:

Labcorp Genetics (formerly Invitae), Labcorp
Classification: Uncertain significance for Familial sleep-related hypermotor epilepsy. Last evaluated: 2022-01-04. Review status: criteria provided, single submitter. Criteria: Invitae Variant Classification Sherloc (09022015). Collection method: clinical testing. Allele origin: germline.
Comment: In summary, the available evidence is currently insufficient to determine the role of this variant in disease. Therefore, it has been classified as a Variant of Uncertain Significance. Algorithms developed to predict the effect of missense changes on protein structure and function are either unavailable or do not agree on the potential impact of this missense change (SIFT: "Deleterious"; PolyPhen-2: "Benign"; Align-GVGD: "Class C0"). This variant has not been reported in the literature in individuals affected with PRIMA1-related conditions. This variant is not present in population databases (gnomAD no frequency). This sequence change replaces proline, which is neutral and non-polar, with leucine, which is neutral and non-polar, at codon 63 of the PRIMA1 protein (p.Pro63Leu).